The following is an entry in ClinVar:

ClinVar aggregate classification (germline): Uncertain significance. Review status: criteria provided, multiple submitters, no conflicts (2 of 4 stars). 8 submissions from 7 submitters: Uncertain significance (8). Last evaluated 2026-08-06.

Conditions:
Seckel syndrome 1 (SCKL1). Also called: MICROCEPHALIC PRIMORDIAL DWARFISM I. Identifiers: Orphanet 808, MedGen C4551474, MONDO:0008869, OMIM 210600.
Familial cutaneous telangiectasia and oropharyngeal predisposition cancer syndrome. Identifiers: Orphanet 313846, MedGen C3281203, MONDO:0013806, OMIM 614564.

Allele frequency attached by ClinVar (database versions not stated): TOPMed 0.00003; 1000 Genomes Project 30x 0.00031; 1000 Genomes Project 0.00020; gnomAD 0.00003; ExAC 0.00007.
gnomAD v4.1: 161 of 1,579,216 alleles (0.01%); highest among the groups gnomAD compares: Non-Finnish European, 0.012%; no homozygotes.

Submissions (8):

OLLIN Analises Genomicas, OLLIN
Classification: Uncertain significance for Seckel syndrome 1. Last evaluated: 2026-08-06. Review status: criteria provided, single submitter. Criteria: ACMG Guidelines 2015 PMID 25741868. Collection method: clinical testing. Allele origin: germline. Inheritance: Autosomal recessive inheritance.
Comment: This missense variant, located in exon 27 (of 47), has been reported in ClinVar (accession VCV000835654.11) and in gnomAD with an allele frequency of 0.0102%. However, to our knowledge, it has not been reported in the scientific literature. In silico analysis predicts that this variant has a tolerated effect. According to the currently available evidence, this variant has been classified as uncertain significance (BP4_S).

Labcorp Genetics (formerly Invitae), Labcorp
Classification: Uncertain significance. Last evaluated: 2025-12-28. Review status: criteria provided, single submitter. Criteria: Invitae Variant Classification Sherloc (09022015). Collection method: clinical testing. Allele origin: germline.
Comment: This sequence change replaces serine, which is neutral and polar, with alanine, which is neutral and non-polar, at codon 1616 of the ATR protein (p.Ser1616Ala). This variant is present in population databases (rs201492267, gnomAD 0.05%). This variant has not been reported in the literature in individuals affected with ATR-related conditions. ClinVar contains an entry for this variant (Variation ID: 425314). An algorithm developed to predict the effect of missense changes on protein structure and function outputs the following: PolyPhen-2: "Benign". The alanine amino acid residue is found in multiple mammalian species, which suggests that this missense change does not adversely affect protein function. In summary, the available evidence is currently insufficient to determine the role of this variant in disease. Therefore, it has been classified as a Variant of Uncertain Significance.

Dasa
Classification: Uncertain significance. Last evaluated: 2025-06-08. Review status: criteria provided, single submitter. Criteria: DASA Assertion Criteria. Collection method: clinical testing. Allele origin: germline.
Comment: NM_001184.4(ATR):c.4846T>G (p.Ser1616Ala) is a missense variant that results in the substitution of serine with alanine. This variant is rare in population databases. Computational prediction algorithms are consistent with a benign effect. The currently available literature and clinical evidence are not sufficient to establish a definitive association between this variant and the reported condition. Therefore, this variant is classified as a variant of uncertain significance.

Genome-Nilou Lab
Classification: Uncertain significance for Seckel syndrome 1. Last evaluated: 2023-02-08. Review status: criteria provided, single submitter. Criteria: ACMG Guidelines, 2015. Collection method: clinical testing. Allele origin: germline.

Genome-Nilou Lab
Classification: Uncertain significance for Familial cutaneous telangiectasia and oropharyngeal predisposition cancer syndrome. Last evaluated: 2023-02-08. Review status: criteria provided, single submitter. Criteria: ACMG Guidelines, 2015. Collection method: clinical testing. Allele origin: germline.

Department of Pathology and Laboratory Medicine, Sinai Health System
Classification: Uncertain significance for Seckel syndrome 1. Last evaluated: 2021-07-30. Review status: criteria provided, single submitter. Criteria: ACMG Guidelines, 2015. Collection method: research. Allele origin: germline.

Fulgent Genetics
Classification: Uncertain significance for Seckel syndrome 1; Familial cutaneous telangiectasia and oropharyngeal predisposition cancer syndrome. Last evaluated: 2018-10-31. Review status: criteria provided, single submitter. Criteria: ACMG Guidelines, 2015. Collection method: clinical testing. Allele origin: unknown.

CeGaT Center for Human Genetics Tuebingen
Classification: Uncertain significance. Last evaluated: 2016-10-31. Review status: criteria provided, single submitter. Criteria: Praxis fuer Humangenetik Tuebingen - Variant Classification Criteria. Collection method: clinical testing. Allele origin: germline. Affected: yes. Observed: 1 variant allele.

NM_001184.4(ATR):c.4846T>G (p.Ser1616Ala)

Gene: ATR (ATR checkpoint kinase; minus strand). Cytogenetic location: 3q23.
Variant type: single nucleotide variant.
Coding change: c.4846T>G on transcript NM_001184.4 (MANE Select); coding-DNA position 4846, T replaced by G.
Protein change: p.Ser1616Ala; replaces serine 1616 with alanine.
Molecular consequence: missense variant.
Genome position (GRCh38, 1-based): chr3:142,512,266, A>C on the plus strand (T>G on the coding strand, the complement: ATR is on the minus strand). VCF-style: chr3-142512266-A-C. GRCh37 (hg19) VCF-style: chr3-142231108-A-C.
Other names: c.4654T>G, p.Ser1552Ala (NM_001354579.2); short protein forms S1616A, S1552A.
Identifiers: ClinVar variation 425314 (VCV000425314.14), dbSNP rs201492267, ClinGen allele CA2649759.